The following is an entry in ClinVar:

ClinVar aggregate classification (germline): Likely benign (1 of 4 stars; one submission).

Conditions:
Lissencephaly 4 (LIS4). Also called: Lissencephaly 4 (with microcephaly). Identifiers: Orphanet 1083, MedGen C3151461, MONDO:0013527, OMIM 614019.

Allele frequency attached by ClinVar (database versions not stated): ExAC 0.00106; gnomAD 0.00215 and 0.00200; gnomAD exomes 0.00035 and 0.00016; 1000 Genomes Project 30x 0.00094; TOPMed 0.00218; ESP Exome Variant Server 0.00224; 1000 Genomes Project 0.00120.
gnomAD v4.1: 353 of 479,538 alleles (0.074%); highest among the groups gnomAD compares: African/African-American, 0.67%; 2 homozygotes.

Submission:

Illumina Laboratory Services, Illumina
Classification: Likely benign for Lissencephaly 4. Last evaluated: 2018-01-12. Review status: criteria provided, single submitter. Criteria: ICSL Variant Classification Criteria 13 December 2019. Collection method: clinical testing. Allele origin: germline.
Comment: This variant was observed in the ICSL laboratory as part of a predisposition screen in an ostensibly healthy population. It had not been previously curated by ICSL or reported in the Human Gene Mutation Database (HGMD: prior to June 1st, 2018), and was therefore a candidate for classification through an automated scoring system. Utilizing variant allele frequency, disease prevalence and penetrance estimates, and inheritance mode, an automated score was calculated to assess if this variant is too frequent to cause the disease. Based on the score and internal cut-off values, a variant classified as likely benign is not then subjected to further curation. The score for this variant resulted in a classification of likely benign for this disease.

NM_001143979.2(NDE1):c.-687C>T

Gene: NDE1 (nudE neurodevelopment protein 1; plus strand). Cytogenetic location: 16p13.11.
Variant type: single nucleotide variant.
Coding change: c.-687C>T on transcript NM_001143979.2; 687 bases upstream of the start codon, C replaced by T.
Molecular consequence: 5 prime UTR variant.
Genome position (GRCh38, 1-based): chr16:15,643,406, C>T. VCF-style: chr16-15643406-C-T. GRCh37 (hg19) VCF-style: chr16-15737263-C-T.
Identifiers: ClinVar variation 318019 (VCV000318019.7), dbSNP rs373275027, ClinGen allele CA7920429.
Genomic context (GRCh38, chr16:15,643,406, plus strand): 5'-CGGGGGGTGACCCTGGCTTTTTTGGCGAAAACCCCCAGTTTAAGGAGGCCTTCCCCCTGG[C>T]TTCACGTTGTGGAGTCGAAAGGAACCTTGAAGCGGAGAATGAGCTCGTGACGTGGACCCG-3'